The following is an entry in ClinVar:

NM_020655.4(JPH3):c.557C>A (p.Ala186Asp)

Gene: JPH3 (junctophilin 3; plus strand). Cytogenetic location: 16q24.2.
Variant type: single nucleotide variant.
Coding change: c.557C>A on transcript NM_020655.4 (MANE Select); coding-DNA position 557, C replaced by A.
Protein change: p.Ala186Asp; replaces alanine 186 with aspartic acid.
Molecular consequence: missense variant. On other transcripts: non-coding transcript variant (1).
Genome position (GRCh38, 1-based): chr16:87,644,432, C>A. VCF-style: chr16-87644432-C-A. GRCh37 (hg19) VCF-style: chr16-87678038-C-A.
Other names: c.557C>A (NM_020655.2); short protein forms A186D.
Identifiers: ClinVar variation 727539 (VCV000727539.29), dbSNP rs142120839, ClinGen allele CA8220754.

ClinVar aggregate classification (germline): Conflicting classifications of pathogenicity. Review status: criteria provided, conflicting classifications (1 of 4 stars). 3 submissions from 3 submitters: Uncertain significance (1); Likely benign (2). Last evaluated 2025-02-12.

Conditions:
Inborn genetic diseases. Identifiers: MedGen C0950123, MeSH D030342.

Allele frequency attached by ClinVar (database versions not stated): 1000 Genomes Project 0.00040; TOPMed 0.00072; 1000 Genomes Project 30x 0.00078; gnomAD 0.00080; ExAC 0.00109; ESP Exome Variant Server 0.00131.
gnomAD v4.1: 1,692 of 1,612,028 alleles (0.1%); highest among the groups gnomAD compares: Non-Finnish European, 0.12%; 4 homozygotes.

Submissions (3):

Ambry Genetics
Classification: Uncertain significance for Inborn genetic diseases. Last evaluated: 2025-02-12. Review status: criteria provided, single submitter. Criteria: Ambry Variant Classification Scheme 2023. Collection method: clinical testing. Allele origin: germline.

CeGaT Center for Human Genetics Tuebingen
Classification: Likely benign. Last evaluated: 2023-06-01. Review status: criteria provided, single submitter. Criteria: CeGaT Center For Human Genetics Tuebingen Variant Classification Criteria Version 2. Collection method: clinical testing. Allele origin: germline. Affected: yes. Observed: 1 variant allele.
Comment: JPH3: BS2

Labcorp Genetics (formerly Invitae), Labcorp
Classification: Likely benign. Last evaluated: 2019-12-31. Review status: criteria provided, single submitter. Criteria: Invitae Variant Classification Sherloc (09022015). Collection method: clinical testing. Allele origin: germline.